The following is an entry in ClinVar:

ClinVar aggregate classification (germline): Uncertain significance (1 of 4 stars; one submission).

Conditions:
Hereditary nonpolyposis colorectal neoplasms. Identifiers: MedGen C0009405, MeSH D003123.

Submission:

Labcorp Genetics (formerly Invitae), Labcorp
Classification: Uncertain significance for Hereditary nonpolyposis colorectal neoplasms. Last evaluated: 2025-06-09. Review status: criteria provided, single submitter. Criteria: Invitae Variant Classification Sherloc (09022015). Collection method: clinical testing. Allele origin: germline.
Comment: This sequence change replaces alanine, which is neutral and non-polar, with valine, which is neutral and non-polar, at codon 630 of the MSH6 protein (p.Ala630Val). This variant is not present in population databases (gnomAD no frequency). This variant has not been reported in the literature in individuals affected with MSH6-related conditions. Invitae Evidence Modeling of protein sequence and biophysical properties (such as structural, functional, and spatial information, amino acid conservation, physicochemical variation, residue mobility, and thermodynamic stability) has been performed for this missense variant. However, the output from this modeling did not meet the statistical confidence thresholds required to predict the impact of this variant on MSH6 protein function. In summary, the available evidence is currently insufficient to determine the role of this variant in disease. Therefore, it has been classified as a Variant of Uncertain Significance.

NM_000179.3(MSH6):c.1889C>T (p.Ala630Val)

Gene: MSH6 (mutS homolog 6; plus strand). Cytogenetic location: 2p16.3.
Variant type: single nucleotide variant.
Coding change: c.1889C>T on transcript NM_000179.3 (MANE Select); coding-DNA position 1889, C replaced by T.
Protein change: p.Ala630Val; replaces alanine 630 with valine.
Molecular consequence: missense variant. On other transcripts: non-coding transcript variant (5), intron variant (2).
Genome position (GRCh38, 1-based): chr2:47,799,872, C>T. VCF-style: chr2-47799872-C-T. GRCh37 (hg19) VCF-style: chr2-48027011-C-T.
Other names: c.1499C>T, p.Ala500Val (NM_001281492.2); c.983C>T, p.Ala328Val (NM_001281493.2, NM_001281494.2, NM_001406811.1 and 6 more transcripts); c.1985C>T, p.Ala662Val (NM_001406795.1, NM_001406802.1); c.1889C>T, p.Ala630Val (NM_001406796.1, NM_001406798.1, NM_001406800.1 and 3 more transcripts); c.1592C>T, p.Ala531Val (NM_001406797.1, NM_001406801.1, NM_001406805.1 and 10 more transcripts); c.1364C>T, p.Ala455Val (NM_001406799.1, NM_001406806.1, NM_001406807.1); c.1811C>T, p.Ala604Val (NM_001406804.1); c.1895C>T, p.Ala632Val (NM_001406813.1); and 3 more; short protein forms A328V, A455V, A500V, A531V, A574V, A604V, A630V, A632V.
Identifiers: ClinVar variation 4800205 (VCV004800205.1).
Genomic context (GRCh38, chr2:47,799,872, plus strand): 5'-AGAGTTCATTGTCCTGTTCTCTTCAGGAAGGTCTGATACCCGGCTCCCAGTTTTGGGATG[C>T]ATCCAAAACTTTGAGAACTCTCCTTGAGGAAGAATATTTTAGGGAAAAGCTAAGTGATGG-3'
Protein context (NP_000170.1, residues 620-640): GLIPGSQFWD[Ala630Val]SKTLRTLLEE